The following is an entry in ClinVar:

ClinVar aggregate classification (germline): Benign. Review status: criteria provided, multiple submitters, no conflicts (2 of 4 stars). 9 submissions from 7 submitters: Benign (9). Last evaluated 2026-02-04.

Conditions:
Sclerosteosis 2 (SOST2). Identifiers: Orphanet 3152, MedGen C3280402, MONDO:0013679, OMIM 614305.
Cenani-Lenz syndactyly syndrome. Also called: CENANI SYNDACTYLISM; SYNDACTYLY, TYPE VII. Identifiers: Orphanet 3258, MedGen C1859309, MONDO:0008931, OMIM 212780.
Congenital myasthenic syndrome 17. Identifiers: Orphanet 590, MedGen C4225377, MONDO:0014578, OMIM 616304.

Allele frequency attached by ClinVar (database versions not stated): 1000 Genomes Project 0.36761; 1000 Genomes Project 30x 0.36946; TOPMed 0.40532; gnomAD 0.42236; ESP Exome Variant Server 0.42531.
gnomAD v4.1: 825,280 of 1,610,966 alleles (51%); highest among the groups gnomAD compares: Non-Finnish European, 54%; 218,679 homozygotes.

Submissions (9):

Labcorp Genetics (formerly Invitae), Labcorp
Classification: Benign for Cenani-Lenz syndactyly syndrome; Sclerosteosis 2; Congenital myasthenic syndrome 17. Last evaluated: 2026-02-04. Review status: criteria provided, single submitter. Criteria: Invitae Variant Classification Sherloc (09022015). Collection method: clinical testing. Allele origin: germline.

Blueprint Genetics
Classification: Benign. Last evaluated: 2024-11-27. Review status: criteria provided, single submitter. Criteria: ACMG Guidelines, 2015. Collection method: clinical testing. Allele origin: germline.

Genome-Nilou Lab
Classification: Benign for Congenital myasthenic syndrome 17. Last evaluated: 2021-08-19. Review status: criteria provided, single submitter. Criteria: ACMG Guidelines, 2015. Collection method: clinical testing. Allele origin: germline. Affected: no.

Genome-Nilou Lab
Classification: Benign for Cenani-Lenz syndactyly syndrome. Last evaluated: 2021-08-19. Review status: criteria provided, single submitter. Criteria: ACMG Guidelines, 2015. Collection method: clinical testing. Allele origin: germline. Affected: no.

Genome-Nilou Lab
Classification: Benign for Sclerosteosis 2. Last evaluated: 2021-08-19. Review status: criteria provided, single submitter. Criteria: ACMG Guidelines, 2015. Collection method: clinical testing. Allele origin: germline. Affected: no.

GeneDx
Classification: Benign. Last evaluated: 2018-07-05. Review status: criteria provided, single submitter. Criteria: GeneDx Variant Classification Process June 2021. Collection method: clinical testing. Allele origin: germline. Affected: yes.
Comment: This variant is associated with the following publications: (PMID: 23321396, 21121903)

Mayo Clinic Laboratories, Mayo Clinic
Classification: Benign. Last evaluated: 2017-07-18. Review status: criteria provided, single submitter. Criteria: ACMG Guidelines, 2015. Collection method: clinical testing. Allele origin: germline. Observed: 333 variant alleles.

Illumina Laboratory Services, Illumina
Classification: Benign for Cenani-Lenz syndactyly syndrome. Last evaluated: 2017-04-27. Review status: criteria provided, single submitter. Criteria: ICSL Variant Classification Criteria 13 December 2019. Collection method: clinical testing. Allele origin: germline.
Comment: This variant was observed as part of a predisposition screen in an ostensibly healthy population. A literature search was performed for the gene, cDNA change, and amino acid change (where applicable). No publications were found based on this search. Allele frequency data from public databases was too high to be consistent with this variant causing disease. Therefore, this variant is classified as benign.

Breakthrough Genomics
Classification: Benign. Review status: criteria provided, single submitter. Criteria: ACMG Guidelines, 2015. Collection method: not provided. Allele origin: germline. Inheritance: Autosomal recessive inheritance. Affected: yes.

NM_002334.4(LRP4):c.4660A>G (p.Ser1554Gly)

Genes: LRP4 (LDL receptor related protein 4; minus strand), LRP4-AS1 (LRP4 antisense RNA 1; plus strand). Cytogenetic location: 11p11.2.
Variant type: single nucleotide variant.
Coding change: c.4660A>G on transcript NM_002334.4 (MANE Select); coding-DNA position 4660, A replaced by G.
Protein change: p.Ser1554Gly; replaces serine 1554 with glycine.
Molecular consequence: missense variant.
Genome position (GRCh38, 1-based): chr11:46,871,557, T>C on the plus strand (A>G on the coding strand, the complement: LRP4 is on the minus strand). VCF-style: chr11-46871557-T-C. GRCh37 (hg19) VCF-style: chr11-46893108-T-C.
Other names: short protein forms S1554G.
Identifiers: ClinVar variation 304855 (VCV000304855.21), dbSNP rs2306029, ClinGen allele CA5969269.